The following is an entry in ClinVar:

NM_006514.4(SCN10A):c.1737del (p.Gly580fs)

Gene: SCN10A (sodium voltage-gated channel alpha subunit 10; minus strand). Cytogenetic location: 3p22.2.
Variant type: Deletion.
Coding change: c.1737del on transcript NM_006514.4 (MANE Select); coding-DNA position 1737, one base deleted (T; older notation c.1737delT).
Protein change: p.Gly580fs; shifts the reading frame from glycine 580.
Molecular consequence: frameshift variant. On other transcripts: intron variant (1).
Genome position (GRCh38, 1-based): chr3:38,752,237, A deleted on the plus strand (T on the coding strand, the reverse complement: SCN10A is on the minus strand). VCF-style (leftmost placement, unchanged base first): chr3-38752236-CA-C. GRCh37 (hg19) VCF-style: chr3-38793727-CA-C.
Other names: c.1737del, p.Gly580fs (NM_001293306.2); c.1462-2053del (NM_001293307.2); short protein forms G580fs.
Identifiers: ClinVar variation 2563695 (VCV002563695.2), dbSNP rs2063754469, ClinGen allele CA1047011027.

ClinVar aggregate classification (germline): Uncertain significance (1 of 4 stars; one submission).

Conditions:
Cardiovascular phenotype. Identifiers: MedGen CN230736.

Allele frequency attached by ClinVar (database versions not stated): gnomAD 0.00001.

Submission:

Ambry Genetics
Classification: Uncertain significance for Cardiovascular phenotype. Last evaluated: 2023-03-29. Review status: criteria provided, single submitter. Criteria: Ambry Variant Classification Scheme 2023. Collection method: clinical testing. Allele origin: germline.
Comment: The c.1737delT variant, located in coding exon 11 of the SCN10A gene, results from a deletion of one nucleotide at nucleotide position 1737, causing a translational frameshift with a predicted alternate stop codon (p.G580Efs*22). This alteration is expected to result in loss of function by premature protein truncation or nonsense-mediated mRNA decay. However, the evidence for this gene-disease relationship is limited; therefore, the clinical significance of this alteration is unclear.